The following is an entry in ClinVar:

ClinVar aggregate classification (germline): Pathogenic (1 of 4 stars; one submission).

Conditions:
Adenylosuccinate lyase deficiency (ADSLD). Also called: ADSL DEFICIENCY. Identifiers: Orphanet 46, MedGen C0268126, MONDO:0007068, OMIM 103050.

Allele frequency attached by ClinVar (database versions not stated): TOPMed 0.00001.

Submission:

Labcorp Genetics (formerly Invitae), Labcorp
Classification: Pathogenic for Adenylosuccinate lyase deficiency. Last evaluated: 2020-03-10. Review status: criteria provided, single submitter. Criteria: Invitae Variant Classification Sherloc (09022015). Collection method: clinical testing. Allele origin: germline.
Comment: This variant is not present in population databases (ExAC no frequency). This sequence change creates a premature translational stop signal (p.Glu277*) in the ADSL gene. It is expected to result in an absent or disrupted protein product. This variant has not been reported in the literature in individuals with ADSL-related conditions. Algorithms developed to predict the effect of sequence changes on RNA splicing suggest that this variant may create or strengthen a splice site, but this prediction has not been confirmed by published transcriptional studies. For these reasons, this variant has been classified as Pathogenic. Loss-of-function variants in ADSL are known to be pathogenic (PMID: 10888601, 20177786).

Literature cited by the submitters: PubMed 10888601; PubMed 20177786.

NM_000026.4(ADSL):c.829G>T (p.Glu277Ter)

Gene: ADSL (adenylosuccinate lyase; plus strand). Cytogenetic location: 22q13.1.
Variant type: single nucleotide variant.
Coding change: c.829G>T on transcript NM_000026.4 (MANE Select); coding-DNA position 829, G replaced by T.
Protein change: p.Glu277Ter; replaces glutamic acid 277 with a stop codon.
Molecular consequence: nonsense. On other transcripts: non-coding transcript variant (1).
Genome position (GRCh38, 1-based): chr22:40,361,309, G>T. VCF-style: chr22-40361309-G-T. GRCh37 (hg19) VCF-style: chr22-40757313-G-T.
Other names: c.829G>T, p.Glu277Ter (NM_001123378.3, NM_001363840.3); c.637G>T, p.Glu213Ter (NM_001317923.2); short protein forms E213*, E277*.
Identifiers: ClinVar variation 1071793 (VCV001071793.7), dbSNP rs2044777708, ClinGen allele CA411643577.
Genomic context (GRCh38, chr22:40,361,309, plus strand): 5'-TGCTTATTCCCCTACCTCCCCCAGATTTGCACCGACATACGCCTCCTGGCAAACCTCAAG[G>T]AGATGGAGGAACCCTTTGAAAAACAGCAGATTGGTGAGTGCTGTGTAGAGACCTGTGAGC-3'